The following is an entry in ClinVar:

NM_014270.5(SLC7A9):c.1278G>A (p.Leu426=)

Gene: SLC7A9 (solute carrier family 7 member 9; minus strand). Cytogenetic location: 19q13.11.
Variant type: single nucleotide variant.
Coding change: c.1278G>A on transcript NM_014270.5 (MANE Select); coding-DNA position 1278, G replaced by A.
Protein change: p.Leu426=; no amino-acid change (leucine 426 retained).
Molecular consequence: synonymous variant.
Genome position (GRCh38, 1-based): chr19:32,833,270, C>T on the plus strand (G>A on the coding strand, the complement: SLC7A9 is on the minus strand). VCF-style: chr19-32833270-C-T. GRCh37 (hg19) VCF-style: chr19-33324176-C-T.
Other names: c.1278G>A, p.Leu426= (NM_001126335.2, NM_001243036.2).
Identifiers: ClinVar variation 4708628 (VCV004708628.1).

ClinVar aggregate classification (germline): Uncertain significance (1 of 4 stars; one submission).

gnomAD v4.1: 4 of 1,614,018 alleles (0.00025%); highest among the groups gnomAD compares: Non-Finnish European, 0.00034%; no homozygotes.

Submission:

Labcorp Genetics (formerly Invitae), Labcorp
Classification: Uncertain significance. Last evaluated: 2025-11-11. Review status: criteria provided, single submitter. Criteria: Invitae Variant Classification Sherloc (09022015). Collection method: clinical testing. Allele origin: germline.
Comment: This sequence change affects codon 426 of the SLC7A9 mRNA. It is a 'silent' change, meaning that it does not change the encoded amino acid sequence of the SLC7A9 protein. This variant is not present in population databases (gnomAD no frequency). This variant has not been reported in the literature in individuals affected with SLC7A9-related conditions. Algorithms developed to predict the effect of sequence changes on RNA splicing suggest that this variant may disrupt the consensus splice site. In summary, the available evidence is currently insufficient to determine the role of this variant in disease. Therefore, it has been classified as a Variant of Uncertain Significance.